The following is an entry in ClinVar:

ClinVar aggregate classification (germline): Uncertain significance (1 of 4 stars; one submission).

Submission:

Labcorp Genetics (formerly Invitae), Labcorp
Classification: Uncertain significance. Last evaluated: 2022-06-22. Review status: criteria provided, single submitter. Criteria: Invitae Variant Classification Sherloc (09022015). Collection method: clinical testing. Allele origin: germline.
Comment: In summary, the available evidence is currently insufficient to determine the role of this variant in disease. Therefore, it has been classified as a Variant of Uncertain Significance. This variant has not been reported in the literature in individuals affected with KANK4-related conditions. This variant is not present in population databases (gnomAD no frequency). This sequence change creates a premature translational stop signal (p.Asn90Thrfs*36) in the KANK4 gene. It is expected to result in an absent or disrupted protein product. However, the current clinical and genetic evidence is not sufficient to establish whether loss-of-function variants in KANK4 cause disease.

NM_181712.5(KANK4):c.269del (p.Asn90fs)

Gene: KANK4 (KN motif and ankyrin repeat domains 4; minus strand). Cytogenetic location: 1p31.3.
Variant type: Deletion.
Coding change: c.269del on transcript NM_181712.5 (MANE Select); coding-DNA position 269, one base deleted (A; older notation c.269delA).
Protein change: p.Asn90fs; shifts the reading frame from asparagine 90.
Molecular consequence: frameshift variant. On other transcripts: intron variant (1).
Genome position (GRCh38, 1-based): chr1:62,274,835, T deleted on the plus strand (A on the coding strand, the reverse complement: KANK4 is on the minus strand); the first of 4 consecutive T bases (chr1:62,274,835-62,274,838); deleting any one gives the same sequence. VCF-style (leftmost placement, unchanged base first): chr1-62274834-GT-G. GRCh37 (hg19) VCF-style: chr1-62740506-GT-G.
Other names: c.17-3246del (NM_001320269.2); short protein forms N90fs.
Identifiers: ClinVar variation 1952051 (VCV001952051.5), dbSNP rs1672271123, ClinGen allele CA1171014457.
Genomic context (GRCh38, chr1:62,274,834, plus strand): 5'-TGGTGACTGGTTTTGCTCCTGTGTCCCAAGTGATGCCTCCCTTGGCACCACGGGAGACCA[GT>G]TTTGGAGGGGCGGGGCTGCAGGGGGGCGAGCCCCACTGTCAGGAAGGCTGAAGTTTCGGG-3'